The following is an entry in ClinVar:

ClinVar aggregate classification (germline): Uncertain significance (1 of 4 stars; one submission).

Conditions:
Wilms tumor 1 (WT1). Also called: Wilms tumor, somatic. Identifiers: Orphanet 654, MedGen CN033288, MONDO:0008679, OMIM 194070.

Submission:

All of Us Research Program, National Institutes of Health
Classification: Uncertain significance for Wilms tumor 1. Last evaluated: 2023-08-15. Review status: criteria provided, single submitter. Criteria: ACMG Guidelines, 2015. Collection method: clinical testing. Allele origin: germline. Inheritance: Autosomal dominant inheritance. Observed: 1 variant allele, 1 heterozygote.
Comment: This missense variant replaces arginine with glycine at codon 444 of the WT1 protein. This variant is also known as c.1345A>G (p.Arg449Gly) based on alternative transcripts, ENST00000452863 and NM_024426.6. Computational prediction suggests that this variant may not impact protein structure and function (internally defined REVEL score threshold <= 0.5, PMID: 27666373). To our knowledge, functional studies have not been reported for this variant. This variant has not been reported in individuals affected with WT1-related disorders in the literature. This variant has not been identified in the general population by the Genome Aggregation Database (gnomAD). The available evidence is insufficient to determine the role of this variant in disease conclusively. Therefore, this variant is classified as a Variant of Uncertain Significance.

This study involves interpretation of variants in research participants for the purpose of population health screening. Participant phenotype was not available at the time of variant classification. Additional details can be found in publication PMID: 35346344, PMCID: PMC8962531

NM_024426.6(WT1):c.1345A>G (p.Arg449Gly)

Gene: WT1 (WT1 transcription factor; minus strand). Cytogenetic location: 11p13.
Variant type: single nucleotide variant.
Coding change: c.1345A>G on transcript NM_024426.6 (MANE Select); coding-DNA position 1345, A replaced by G.
Protein change: p.Arg449Gly; replaces arginine 449 with glycine.
Molecular consequence: missense variant. On other transcripts: non-coding transcript variant (2), intron variant (1).
Genome position (GRCh38, 1-based): chr11:32,392,675, T>C on the plus strand (A>G on the coding strand, the complement: WT1 is on the minus strand). VCF-style: chr11-32392675-T-C. GRCh37 (hg19) VCF-style: chr11-32414221-T-C.
Other names: c.1294A>G, p.Arg432Gly (NM_000378.6, NM_001407045.1, NM_001407049.1); c.694A>G, p.Arg232Gly (NM_001198551.2); c.643A>G, p.Arg215Gly (NM_001198552.2); c.157A>G, p.Arg53Gly (NM_001367854.1); c.1339A>G, p.Arg447Gly (NM_001407044.1); c.1345A>G, p.Arg449Gly (NM_001407046.1, NM_024424.5); c.1222A>G, p.Arg408Gly (NM_001407047.1); c.1171A>G, p.Arg391Gly (NM_001407050.1); and 5 more; short protein forms R195G, R215G, R232G, R359G, R376G, R391G, R408G, R427G.
Identifiers: ClinVar variation 3072694 (VCV003072694.1), dbSNP rs2132919527, ClinGen allele CA379959144.